The following is an entry in ClinVar:

NC_012920.1(MT-TD):m.7577T>C

Gene: MT-TD (mitochondrially encoded tRNA aspartic acid; plus strand).
Variant type: single nucleotide variant.
Genome position: chrM-7577-T-C.
Identifiers: ClinVar variation 690058 (VCV000690058.1), dbSNP rs1603221025, ClinGen allele CA913177468.

ClinVar aggregate classification (germline): Uncertain significance (1 of 4 stars; one submission).

Conditions:
MELAS syndrome (MELAS). Also called: Juvenile myopathy, encephalopathy, lactic acidosis, stroke. Identifiers: Orphanet 550, MedGen C0162671, MONDO:0010789, OMIM 540000.

Submission:

Wong Mito Lab, Molecular and Human Genetics, Baylor College of Medicine
Classification: Uncertain significance for MELAS syndrome. Last evaluated: 2019-07-12. Review status: criteria provided, single submitter. Criteria: Modified ACMG Guidelines (Unpublished). Collection method: clinical testing. Allele origin: germline.
Comment: The NC_012920.1:m.7577T>C variant in MT-TD gene is interpreted to be a Unknown Significance variant based on the modified ACMG guidelines (unpublished). This variant meets the following evidence codes reported in the guidelines: PM7, PP6, PP7

Literature cited by the submitters: PubMed 31965079.